The following is an entry in ClinVar:

ClinVar aggregate classification (germline): Uncertain significance. Review status: criteria provided, multiple submitters, no conflicts (2 of 4 stars). 2 submissions from 2 submitters: Uncertain significance (2). Last evaluated 2025-03-04.

Conditions:
Hereditary cancer-predisposing syndrome. Also called: Neoplastic Syndromes, Hereditary; Tumor predisposition; Hereditary neoplastic syndrome; Hereditary Cancer Syndrome. Identifiers: Orphanet 140162, MedGen C0027672, MeSH D009386, MONDO:0015356.

gnomAD v4.1: 1 of 1,579,610 alleles (0.000063%); highest among the groups gnomAD compares: Non-Finnish European, 0.000087%; no homozygotes.

Submissions (2):

Ambry Genetics
Classification: Uncertain significance for Hereditary cancer-predisposing syndrome. Last evaluated: 2025-03-04. Review status: criteria provided, single submitter. Criteria: Ambry Variant Classification Scheme 2023. Collection method: clinical testing. Allele origin: germline.
Comment: The p.K2305N variant (also known as c.6915G>C), located in coding exon 11 of the BRCA2 gene, results from a G to C substitution at nucleotide position 6915. The lysine at codon 2305 is replaced by asparagine, an amino acid with similar properties. This amino acid position is not well conserved in available vertebrate species. In addition, this alteration is predicted to be tolerated by in silico analysis. Based on the available evidence, the clinical significance of this variant remains unclear.

Color Diagnostics, LLC DBA Color Health
Classification: Uncertain significance for Hereditary cancer-predisposing syndrome. Last evaluated: 2023-12-05. Review status: criteria provided, single submitter. Criteria: ACMG Guidelines, 2015. Collection method: clinical testing. Allele origin: germline.
Comment: This missense variant replaces lysine with asparagine at codon 2305 of the BRCA2 protein. Computational prediction suggests that this variant may not impact protein structure and function (internally defined REVEL score threshold <= 0.5, PMID: 27666373). To our knowledge, functional studies have not been reported for this variant. This variant has not been reported in individuals affected with BRCA2-related disorders in the literature. This variant has not been identified in the general population by the Genome Aggregation Database (gnomAD). The available evidence is insufficient to determine the role of this variant in disease conclusively. Therefore, this variant is classified as a Variant of Uncertain Significance.

NM_000059.4(BRCA2):c.6915G>C (p.Lys2305Asn)

Gene: BRCA2 (BRCA2 DNA repair associated; plus strand). Cytogenetic location: 13q13.1.
Variant type: single nucleotide variant.
Coding change: c.6915G>C on transcript NM_000059.4 (MANE Select); coding-DNA position 6915, G replaced by C.
Protein change: p.Lys2305Asn; replaces lysine 2305 with asparagine.
Molecular consequence: missense variant.
Genome position (GRCh38, 1-based): chr13:32,344,631, G>C. VCF-style: chr13-32344631-G-C. GRCh37 (hg19) VCF-style: chr13-32918768-G-C.
Other names: short protein forms K2305N.
Identifiers: ClinVar variation 629310 (VCV000629310.6), dbSNP rs1555285156, ClinGen allele CA387792906.
Genomic context (GRCh38, chr13:32,344,631, plus strand): 5'-CAAAAGAAACTTATTAAATGAATTTGACAGGATAATAGAAAATCAAGAAAAATCCTTAAA[G>C]GCTTCAAAAAGCACTCCAGATGGTAAAATTAGCTTTTTATTTATATCTGTTCTCCCTCTA-3'
Protein context (NP_000050.3, residues 2295-2315): RIIENQEKSL[Lys2305Asn]ASKSTPDGTI